The following is an entry in ClinVar:

ClinVar aggregate classification (germline): Uncertain significance (1 of 4 stars; one submission).

Submission:

Labcorp Genetics (formerly Invitae), Labcorp
Classification: Uncertain significance. Last evaluated: 2022-08-16. Review status: criteria provided, single submitter. Criteria: Invitae Variant Classification Sherloc (09022015). Collection method: clinical testing. Allele origin: germline.
Comment: Information on the frequency of this variant in the gnomAD database is not available, as this variant may be reported differently in the database. In summary, the available evidence is currently insufficient to determine the role of this variant in disease. Therefore, it has been classified as a Variant of Uncertain Significance. Experimental studies and prediction algorithms are not available or were not evaluated, and the functional significance of this variant is currently unknown. ClinVar contains an entry for this variant (Variation ID: 1477861). This variant has not been reported in the literature in individuals affected with VARS2-related conditions. This variant, c.102_103delinsTT, is a complex sequence change that results in the deletion of 2 amino acid(s) and insertion of 2 amino acid(s) in the VARS2 protein (p.Leu34_Pro35delinsPheSer).

NM_020442.6(VARS2):c.12_13delinsTT (p.Leu4_Pro5delinsPheSer)

Gene: VARS2 (valyl-tRNA synthetase 2, mitochondrial; plus strand). Cytogenetic location: 6p21.33.
Variant type: Indel.
Coding change: c.12_13delinsTT on transcript NM_020442.6 (MANE Select); coding-DNA positions 12 to 13, GC replaced by TT.
Protein change: p.Leu4_Pro5delinsPheSer.
Molecular consequence: missense variant. On other transcripts: intron variant (1).
Genome position (GRCh38, 1-based): chr6:30,914,848-30,914,849, GC replaced by TT. VCF-style: chr6-30914848-GC-TT. GRCh37 (hg19) VCF-style: chr6-30882625-GC-TT.
Other names: c.102_103delinsTT, p.Leu34_Pro35delinsPheSer (NM_001167734.2); c.-219-308_-219-307delinsTT (NM_001167733.3).
Identifiers: ClinVar variation 1477861 (VCV001477861.6), dbSNP rs2150547723, ClinGen allele CA2573140171.